The following is an entry in ClinVar:

NM_000218.3(KCNQ1):c.1393+1G>A

Gene: KCNQ1 (potassium voltage-gated channel subfamily Q member 1; plus strand). Cytogenetic location: 11p15.5.
Variant type: single nucleotide variant.
Coding change: c.1393+1G>A on transcript NM_000218.3 (MANE Select); the canonical splice donor site of the intron after coding-DNA position 1393, G replaced by A.
Molecular consequence: splice donor variant.
Genome position (GRCh38, 1-based): chr11:2,588,855, G>A. VCF-style: chr11-2588855-G-A. GRCh37 (hg19) VCF-style: chr11-2610085-G-A.
Other names: c.1123+1G>A (NM_001406837.1); c.1297+1G>A (NM_001406836.1); c.853+1G>A (NM_001406838.1); c.1012+1G>A (NM_181798.2).
Identifiers: ClinVar variation 2773478 (VCV002773478.4), dbSNP rs1848633109, ClinGen allele CA379135243.

ClinVar aggregate classification (germline): Pathogenic/Likely pathogenic. Review status: criteria provided, multiple submitters, no conflicts (2 of 4 stars). 3 submissions from 3 submitters: Pathogenic (1); Likely pathogenic (2). Last evaluated 2024-11-07.

Conditions:
KCNQ1-related disorder. Also called: KCNQ1-related condition; KCNQ1-related disorders. Identifiers: MedGen CN239322.
Cardiac arrhythmia. Also called: Arrhythmia; Cardiac rhythm disease. Identifiers: MedGen C0003811, MONDO:0007263, HP:0011675.
Long QT syndrome (LQTS). Identifiers: MedGen C0023976, MeSH D008133, MONDO:0002442. Disease mechanism: loss of function. Inheritance: Various modes of inheritance.

Allele frequency attached by ClinVar (database versions not stated): gnomAD exomes below 0.00001; TOPMed below 0.00001.
gnomAD v4.1: 1 of 1,611,878 alleles (0.000062%); highest among the groups gnomAD compares: South Asian, 0.0011%; no homozygotes.

Submissions (3):

Blueprint Genetics
Classification: Pathogenic for KCNQ1-related disorders. Last evaluated: 2024-11-07. Review status: criteria provided, single submitter. Criteria: ACMG Guidelines, 2015. Collection method: clinical testing. Allele origin: germline. Affected: yes. Observed: 5 variant alleles.

All of Us Research Program, National Institutes of Health
Classification: Likely pathogenic for Long QT syndrome. Last evaluated: 2023-02-24. Review status: criteria provided, single submitter. Criteria: ACMG Guidelines, 2015. Collection method: clinical testing. Allele origin: germline. Inheritance: Autosomal dominant inheritance. Observed: 1 variant allele, 1 heterozygote.
Comment: This variant causes a G to A nucleotide substitution at the +1 position of intron 10 of the KCNQ1 gene. Splicing prediction tools suggest that this variant may disrupt RNA splicing. Although RNA studies have not been reported for this variant, this variant is expected to result in an absent or non-functional protein product. This variant has not been reported in individuals affected with cardiovascular disorders in the literature. This variant has not been identified in the general population by the Genome Aggregation Database (gnomAD). Loss of KCNQ1 function is a known mechanism of disease. Based on the available evidence, this variant is classified as Likely Pathogenic.

This study involves interpretation of variants in research participants for the purpose of population health screening. Participant phenotype was not available at the time of variant classification. Additional details can be found in publication PMID: 35346344, PMCID: PMC8962531

Color Diagnostics, LLC DBA Color Health
Classification: Likely pathogenic for Cardiac arrhythmia. Last evaluated: 2022-09-20. Review status: criteria provided, single submitter. Criteria: ACMG Guidelines, 2015. Collection method: clinical testing. Allele origin: germline.
Comment: This variant causes a G to A nucleotide substitution at the +1 position of intron 10 of the KCNQ1 gene. Splicing prediction tools suggest that this variant may disrupt RNA splicing. Although RNA studies have not been reported for this variant, this variant is expected to result in an absent or non-functional protein product. This variant has not been reported in individuals affected with cardiovascular disorders in the literature. This variant has not been identified in the general population by the Genome Aggregation Database (gnomAD). Loss of KCNQ1 function is a known mechanism of disease. Based on the available evidence, this variant is classified as Likely Pathogenic.